The following is an entry in ClinVar:

NM_001110556.2(FLNA):c.7709C>T (p.Ala2570Val)

Genes: FLNA (filamin A; minus strand), LOC107988032 (Xq28 proximal FLNA-EMD recombination region; plus strand). Cytogenetic location: Xq28.
Variant type: single nucleotide variant.
Coding change: c.7709C>T on transcript NM_001110556.2 (MANE Select); coding-DNA position 7709, C replaced by T.
Protein change: p.Ala2570Val; replaces alanine 2570 with valine.
Molecular consequence: missense variant.
Genome position (GRCh38, 1-based): chrX:154,349,409, G>A on the plus strand (C>T on the coding strand, the complement: FLNA is on the minus strand). VCF-style: chrX-154349409-G-A. GRCh37 (hg19) VCF-style: chrX-153577777-G-A.
Other names: c.7685C>T, p.Ala2562Val (NM_001456.4); short protein forms A2562V, A2570V.
Identifiers: ClinVar variation 3392778 (VCV003392778.1).
Genomic context (GRCh38, chrX:154,349,409, plus strand): 5'-CCAGGTTGCCCACCTGCTTTGCTGCAGTCTACTGTGAAGCTGCTCTTCTGGCCTACGTAG[G>A]CCTTGCTCAGCCCCAGGCCCTTGGCCACCACCTTGCTGGCGTCAGCAGGCCCAGGACCCG-3'
Protein context (NP_001104026.1, residues 2560-2580): VVAKGLGLSK[Ala2570Val]YVGQKSSFTV

ClinVar aggregate classification (germline): Uncertain significance (1 of 4 stars; one submission).

Submission:

GeneDx
Classification: Uncertain significance. Last evaluated: 2024-06-24. Review status: criteria provided, single submitter. Criteria: GeneDx Variant Classification Process June 2021. Collection method: clinical testing. Allele origin: germline. Affected: yes.
Comment: Not observed at significant frequency in large population cohorts (gnomAD); In silico analysis supports that this missense variant has a deleterious effect on protein structure/function; Has not been previously published as pathogenic or benign to our knowledge